The following is an entry in ClinVar:

ClinVar aggregate classification (germline): Likely benign. Review status: criteria provided, multiple submitters, no conflicts (2 of 4 stars). 3 submissions from 3 submitters: Likely benign (3). Last evaluated 2025-03-03.

Conditions:
Developmental and epileptic encephalopathy, 53. Also called: Epileptic encephalopathy, early infantile, 53. Identifiers: MedGen C4479313, MONDO:0033362, OMIM 617389.
Early-onset Parkinson disease 20. Also called: PARKINSON DISEASE 20, AUTOSOMAL RECESSIVE EARLY-ONSET. Identifiers: Orphanet 391411, MedGen C3809824, MONDO:0014233, OMIM 615530.

Allele frequency attached by ClinVar (database versions not stated): gnomAD 0.00001; gnomAD exomes 0.00001 and 0.00002; TOPMed 0.00001; ExAC 0.00002; ESP Exome Variant Server 0.00008.
gnomAD v4.1: 16 of 1,613,992 alleles (0.00099%); highest among the groups gnomAD compares: Admixed American, 0.0067%; no homozygotes.

Submissions (3):

Labcorp Genetics (formerly Invitae), Labcorp
Classification: Likely benign for Developmental and epileptic encephalopathy, 53; Early-onset Parkinson disease 20. Last evaluated: 2025-03-03. Review status: criteria provided, single submitter. Criteria: Invitae Variant Classification Sherloc (09022015). Collection method: clinical testing. Allele origin: germline.

CeGaT Center for Human Genetics Tuebingen
Classification: Likely benign. Last evaluated: 2024-04-01. Review status: criteria provided, single submitter. Criteria: CeGaT Center For Human Genetics Tuebingen Variant Classification Criteria Version 2. Collection method: clinical testing. Allele origin: germline. Affected: yes. Observed: 1 variant allele.
Comment: SYNJ1: BP4, BP7

Blueprint Genetics
Classification: Likely benign. Last evaluated: 2021-12-22. Review status: criteria provided, single submitter. Criteria: ACMG Guidelines, 2015. Collection method: clinical testing. Allele origin: germline.

NM_203446.3(SYNJ1):c.*393C>T

Gene: SYNJ1 (synaptojanin 1; minus strand). Cytogenetic location: 21q22.11.
Variant type: single nucleotide variant.
Coding change: c.*393C>T on transcript NM_203446.3 (MANE Select); 393 bases downstream of the stop codon, C replaced by T.
Molecular consequence: 3 prime UTR variant. On other transcripts: synonymous variant (2).
Genome position (GRCh38, 1-based): chr21:32,631,412, G>A on the plus strand (C>T on the coding strand, the complement: SYNJ1 is on the minus strand). VCF-style: chr21-32631412-G-A. GRCh37 (hg19) VCF-style: chr21-34003722-G-A.
Other names: c.*393C>T (NM_001160302.2); c.4164C>T, p.Pro1388= (NM_001160306.2); c.4422C>T, p.Pro1474= (NM_003895.4).
Identifiers: ClinVar variation 1116849 (VCV001116849.30), dbSNP rs140696929, ClinGen allele CA10003124.